The following is an entry in ClinVar:

NM_005739.4(RASGRP1):c.12G>A (p.Leu4=)

Genes: RASGRP1 (RAS guanyl releasing protein 1; minus strand), LOC130056800 (ATAC-STARR-seq lymphoblastoid silent region 6307; plus strand). Cytogenetic location: 15q14.
Variant type: single nucleotide variant.
Coding change: c.12G>A on transcript NM_005739.4 (MANE Select); coding-DNA position 12, G replaced by A.
Protein change: p.Leu4=; no amino-acid change (leucine 4 retained).
Molecular consequence: synonymous variant.
Genome position (GRCh38, 1-based): chr15:38,564,617, C>T on the plus strand (G>A on the coding strand, the complement: RASGRP1 is on the minus strand). VCF-style: chr15-38564617-C-T. GRCh37 (hg19) VCF-style: chr15-38856818-C-T.
Other names: p.Leu4=; c.12G>A, p.Leu4= (NM_001128602.2, NM_001306086.2).
Identifiers: ClinVar variation 769875 (VCV000769875.15), dbSNP rs80309120, ClinGen allele CA7471239.
Genomic context (GRCh38, chr15:38,564,617, plus strand): 5'-ACAGGCGCTCCCGAGGGCCACGGCCGCCTCTACTCACCGCGGAGCCTCTCTCGCCTTGCC[C>T]AGGGTGCCCATGGCCGCGGCCCGCGCTCCCGGTGCCGGCTCACCTAGCGCGGCCGGGCGC-3'
Protein context (NP_005730.2, residues 1-14): MGT[Leu4=]GKAREAPRKP

ClinVar aggregate classification (germline): Benign. Review status: criteria provided, multiple submitters, no conflicts (2 of 4 stars). 4 submissions from 4 submitters: Benign (4). Last evaluated 2026-02-04.

Allele frequency attached by ClinVar (database versions not stated): gnomAD exomes 0.00218 and 0.01528; 1000 Genomes Project 0.01338; ExAC 0.00122; 1000 Genomes Project 30x 0.01296; gnomAD 0.00771 and 0.00740; TOPMed 0.01325; ESP Exome Variant Server 0.00041.
gnomAD v4.1: 3,884 of 1,371,150 alleles (0.28%); highest among the groups gnomAD compares: Admixed American, 7.8%; 157 homozygotes.

Submissions (4):

Labcorp Genetics (formerly Invitae), Labcorp
Classification: Benign. Last evaluated: 2026-02-04. Review status: criteria provided, single submitter. Criteria: Invitae Variant Classification Sherloc (09022015). Collection method: clinical testing. Allele origin: germline.

Unidad de Genómica Garrahan, Hospital de Pediatría Garrahan
Classification: Benign. Last evaluated: 2023-11-12. Review status: criteria provided, single submitter. Criteria: ACMG Guidelines, 2015. Collection method: clinical testing. Allele origin: germline. Affected: no. Observed: 19 variant alleles.
Comment: This variant is classified as Benign based on local population frequency. This variant was detected in 20% of patients studied by a panel of primary immunodeficiencies. Number of patients: 19. Only high quality variants are reported.

Mayo Clinic Laboratories, Mayo Clinic
Classification: Benign. Last evaluated: 2023-06-06. Review status: criteria provided, single submitter. Criteria: ACMG Guidelines, 2015. Collection method: clinical testing. Allele origin: germline. Observed: 5 variant alleles.

Breakthrough Genomics
Classification: Benign. Review status: criteria provided, single submitter. Criteria: ACMG Guidelines, 2015. Collection method: not provided. Allele origin: germline. Inheritance: Autosomal recessive inheritance. Affected: yes.